The following is an entry in ClinVar:

ClinVar aggregate classification (germline): Uncertain significance. Review status: criteria provided, multiple submitters, no conflicts (2 of 4 stars). 2 submissions from 2 submitters: Uncertain significance (2). Last evaluated 2025-07-10.

Conditions:
Combined oxidative phosphorylation deficiency. Identifiers: MedGen C4540031, MONDO:0000732.
Charcot-Marie-Tooth Neuropathy X. Identifiers: MedGen CN118851.
Severe X-linked mitochondrial encephalomyopathy. Also called: ENCEPHALOMYOPATHY, MITOCHONDRIAL, X-LINKED. Identifiers: Orphanet 238329, MedGen C3151753, MONDO:0010437, OMIM 300816.

gnomAD v4.1: 2 of 1,209,998 alleles (0.00017%); highest among the groups gnomAD compares: Non-Finnish European, 0.00022%; no homozygotes.

Submissions (2):

Labcorp Genetics (formerly Invitae), Labcorp
Classification: Uncertain significance for Charcot-Marie-Tooth Neuropathy X; Combined oxidative phosphorylation deficiency. Last evaluated: 2025-07-10. Review status: criteria provided, single submitter. Criteria: Invitae Variant Classification Sherloc (09022015). Collection method: clinical testing. Allele origin: germline.
Comment: This sequence change replaces arginine, which is basic and polar, with cysteine, which is neutral and slightly polar, at codon 430 of the AIFM1 protein (p.Arg430Cys). This variant is present in population databases (no rsID available, gnomAD 0.01%), including at least one homozygous and/or hemizygous individual. This missense change has been observed in individual(s) with deafness (PMID: 25986071, 32860223). ClinVar contains an entry for this variant (Variation ID: 3759672). Invitae Evidence Modeling of protein sequence and biophysical properties (such as structural, functional, and spatial information, amino acid conservation, physicochemical variation, residue mobility, and thermodynamic stability) indicates that this missense variant is not expected to disrupt AIFM1 protein function with a negative predictive value of 80%. In summary, the available evidence is currently insufficient to determine the role of this variant in disease. Therefore, it has been classified as a Variant of Uncertain Significance.

Kariminejad - Najmabadi Pathology & Genetics Center
Classification: Uncertain significance for Severe X-linked mitochondrial encephalomyopathy. Last evaluated: 2024-05-13. Review status: criteria provided, single submitter. Criteria: ACMG Guidelines, 2015. Collection method: clinical testing. Allele origin: germline. Inheritance: X-linked inheritance. Affected: yes.
Comment: PM2,PP3,PM1-Supporting

Literature cited by the submitters: PubMed 25986071 (cited by Labcorp Genetics (formerly Invitae), Labcorp); PubMed 32860223 (cited by Labcorp Genetics (formerly Invitae), Labcorp).

NM_004208.4(AIFM1):c.1288C>T (p.Arg430Cys)

Genes: AIFM1 (apoptosis inducing factor mitochondria associated 1; minus strand), RAB33A (RAB33A, member RAS oncogene family; plus strand). Cytogenetic location: Xq26.1.
Variant type: single nucleotide variant.
Coding change: c.1288C>T on transcript NM_004208.4 (MANE Select); coding-DNA position 1288, C replaced by T.
Protein change: p.Arg430Cys; replaces arginine 430 with cysteine.
Molecular consequence: missense variant. On other transcripts: 3 prime UTR variant (1), non-coding transcript variant (1).
Genome position (GRCh38, 1-based): chrX:130,136,062, G>A on the plus strand (C>T on the coding strand, the complement: AIFM1 is on the minus strand). VCF-style: chrX-130136062-G-A. GRCh37 (hg19) VCF-style: chrX-129270037-G-A.
Other names: c.271C>T, p.Arg91Cys (NM_001130846.4); c.*516C>T (NM_001130847.4); c.1276C>T, p.Arg426Cys (NM_145812.3); short protein forms R426C, R430C, R91C.
Identifiers: ClinVar variation 3759672 (VCV003759672.3).